The following is an entry in ClinVar:

NM_000443.4(ABCB4):c.2805C>T (p.His935=)

Gene: ABCB4 (ATP binding cassette subfamily B member 4; minus strand). Cytogenetic location: 7q21.12.
Variant type: single nucleotide variant.
Coding change: c.2805C>T on transcript NM_000443.4 (MANE Select); coding-DNA position 2805, C replaced by T.
Protein change: p.His935=; no amino-acid change (histidine 935 retained).
Molecular consequence: synonymous variant. On other transcripts: intron variant (1).
Genome position (GRCh38, 1-based): chr7:87,412,012, G>A on the plus strand (C>T on the coding strand, the complement: ABCB4 is on the minus strand). VCF-style: chr7-87412012-G-A. GRCh37 (hg19) VCF-style: chr7-87041328-G-A.
Other names: c.2805C>T, p.His935= (NM_018849.3); c.2783+1605C>T (NM_018850.3).
Identifiers: ClinVar variation 2997259 (VCV002997259.7), dbSNP rs1808659363, ClinGen allele CA456357935.
Genomic context (GRCh38, chr7:87,412,012, plus strand): 5'-ACAACCGGCATAGGAAAAATACATAAATGCTTGTGAGATACTAAAAGTAATTCCATAGAT[G>A]TGTGCCTTCTGCACAGAATTCCTGAAAAGCAAATCAGTATACTTGTAACCATCTCTTCAG-3'
Protein context (NP_000434.1, residues 925-945): GPYRNSVQKA[His935=]IYGITFSISQ

ClinVar aggregate classification (germline): Conflicting classifications of pathogenicity. Review status: criteria provided, conflicting classifications (1 of 4 stars). 2 submissions from 2 submitters: Uncertain significance (1); Likely benign (1). Last evaluated 2026-03-01.

Allele frequency attached by ClinVar (database versions not stated): gnomAD exomes below 0.00001; TOPMed below 0.00001.
gnomAD v4.1: 2 of 1,613,850 alleles (0.00012%); highest among the groups gnomAD compares: Non-Finnish European, 0.00017%; no homozygotes.

Submissions (2):

CeGaT Center for Human Genetics Tuebingen
Classification: Uncertain significance. Last evaluated: 2026-03-01. Review status: criteria provided, single submitter. Criteria: CeGaT Center For Human Genetics Tuebingen Variant Classification Criteria Version 2. Collection method: clinical testing. Allele origin: germline. Affected: yes. Observed: 1 variant allele.
Comment: ABCB4: PM2:Supporting, BP4

Labcorp Genetics (formerly Invitae), Labcorp
Classification: Likely benign. Last evaluated: 2024-01-18. Review status: criteria provided, single submitter. Criteria: Invitae Variant Classification Sherloc (09022015). Collection method: clinical testing. Allele origin: germline.